The following is an entry in ClinVar:

ClinVar aggregate classification (germline): Uncertain significance. Review status: criteria provided, multiple submitters, no conflicts (2 of 4 stars). 2 submissions from 2 submitters: Uncertain significance (2). Last evaluated 2024-10-18.

Conditions:
Cardiovascular phenotype. Identifiers: MedGen CN230736.
Alstrom syndrome (ALMS). Identifiers: Orphanet 64, MedGen C0268425, MONDO:0008763, OMIM 203800.

Allele frequency attached by ClinVar (database versions not stated): gnomAD exomes below 0.00001; gnomAD 0.00001; TOPMed 0.00001; ExAC 0.00002.
gnomAD v4.1: 8 of 1,613,176 alleles (0.0005%); highest among the groups gnomAD compares: East Asian, 0.0089%; no homozygotes.

Submissions (2):

Labcorp Genetics (formerly Invitae), Labcorp
Classification: Uncertain significance for Alstrom syndrome. Last evaluated: 2024-10-18. Review status: criteria provided, single submitter. Criteria: Invitae Variant Classification Sherloc (09022015). Collection method: clinical testing. Allele origin: germline.
Comment: This sequence change replaces proline with serine at codon 2307 of the ALMS1 protein (p.Pro2307Ser). The proline residue is moderately conserved and there is a moderate physicochemical difference between proline and serine. This variant is present in population databases (rs769988933, gnomAD 0.02%). This variant has not been reported in the literature in individuals affected with ALMS1-related conditions. ClinVar contains an entry for this variant (Variation ID: 1904644). Experimental studies and prediction algorithms are not available or were not evaluated, and the functional significance of this variant is currently unknown. In summary, the available evidence is currently insufficient to determine the role of this variant in disease. Therefore, it has been classified as a Variant of Uncertain Significance.

Ambry Genetics
Classification: Uncertain significance for Cardiovascular phenotype. Last evaluated: 2024-06-13. Review status: criteria provided, single submitter. Criteria: Ambry Variant Classification Scheme 2023. Collection method: clinical testing. Allele origin: germline.
Comment: The p.P2307S variant (also known as c.6919C>T), located in coding exon 8 of the ALMS1 gene, results from a C to T substitution at nucleotide position 6919. The proline at codon 2307 is replaced by serine, an amino acid with similar properties. This amino acid position is well conserved in available vertebrate species. In addition, this alteration is predicted to be tolerated by in silico analysis. Based on the available evidence, the clinical significance of this variant remains unclear.

NM_001378454.1(ALMS1):c.6916C>T (p.Pro2306Ser)

Gene: ALMS1 (ALMS1 centrosome and basal body associated protein; plus strand). Cytogenetic location: 2p13.1.
Variant type: single nucleotide variant.
Coding change: c.6916C>T on transcript NM_001378454.1 (MANE Select); coding-DNA position 6916, C replaced by T.
Protein change: p.Pro2306Ser; replaces proline 2306 with serine.
Molecular consequence: missense variant.
Genome position (GRCh38, 1-based): chr2:73,453,443, C>T. VCF-style: chr2-73453443-C-T. GRCh37 (hg19) VCF-style: chr2-73680570-C-T.
Other names: c.6919C>T, p.Pro2307Ser (NM_015120.4); short protein forms P2306S, P2307S.
Identifiers: ClinVar variation 1904644 (VCV001904644.5), dbSNP rs769988933, ClinGen allele CA1714147.